The following is an entry in ClinVar:

NM_144670.6(A2ML1):c.744G>C (p.Lys248Asn)

Gene: A2ML1 (alpha-2-macroglobulin like 1; plus strand). Cytogenetic location: 12p13.31.
Variant type: single nucleotide variant.
Coding change: c.744G>C on transcript NM_144670.6 (MANE Select); coding-DNA position 744, G replaced by C.
Protein change: p.Lys248Asn; replaces lysine 248 with asparagine.
Molecular consequence: missense variant.
Genome position (GRCh38, 1-based): chr12:8,837,455, G>C. VCF-style: chr12-8837455-G-C. GRCh37 (hg19) VCF-style: chr12-8990051-G-C.
Other names: short protein forms K248N.
Identifiers: ClinVar variation 2741414 (VCV002741414.3), dbSNP rs779557289, ClinGen allele CA6435425.

ClinVar aggregate classification (germline): Uncertain significance (1 of 4 stars; one submission).

Allele frequency attached by ClinVar (database versions not stated): TOPMed below 0.00001; ExAC 0.00001; gnomAD 0.00001.
gnomAD v4.1: 2 of 1,613,942 alleles (0.00012%); highest among the groups gnomAD compares: Non-Finnish European, 0.00017%; no homozygotes.

Submission:

Labcorp Genetics (formerly Invitae), Labcorp
Classification: Uncertain significance. Last evaluated: 2026-01-06. Review status: criteria provided, single submitter. Criteria: Invitae Variant Classification Sherloc (09022015). Collection method: clinical testing. Allele origin: germline.
Comment: This sequence change replaces lysine, which is basic and polar, with asparagine, which is neutral and polar, at codon 248 of the A2ML1 protein (p.Lys248Asn). This variant is present in population databases (rs779557289, gnomAD 0.0009%). This variant has not been reported in the literature in individuals affected with A2ML1-related conditions. ClinVar contains an entry for this variant (Variation ID: 2741414). An algorithm developed to predict the effect of missense changes on protein structure and function (PolyPhen-2) suggests that this variant is likely to be disruptive. In summary, the available evidence is currently insufficient to determine the role of this variant in disease. Therefore, it has been classified as a Variant of Uncertain Significance.